The following is an entry in ClinVar:

ClinVar aggregate classification (germline): Pathogenic. Review status: criteria provided, multiple submitters, no conflicts (2 of 4 stars). 3 submissions from 3 submitters: Pathogenic (3). Last evaluated 2024-08-20.

Conditions:
Neurofibromatosis, type 1 (NF1). Also called: VON RECKLINGHAUSEN DISEASE; Neurofibromatosis, type I; Peripheral type neurofibromatosis; NEUROFIBROMATOSIS, TYPE I, SOMATIC. Identifiers: Orphanet 636, MedGen C0027831, MONDO:0018975, OMIM 162200. Disease mechanism: loss of function.
NF1-related disorder. Also called: NF1-related condition. Identifiers: MedGen CN379171.

Submissions (3):

Quest Diagnostics Nichols Institute San Juan Capistrano
Classification: Pathogenic. Last evaluated: 2024-08-20. Review status: criteria provided, single submitter. Criteria: Quest Diagnostics criteria. Collection method: clinical testing. Allele origin: unknown.
Comment: The NF1 c.6999+1G>T variant disrupts a canonical splice-donor site and interferes with normal NF1 mRNA splicing. This variant has been reported in the published literature in individuals with neurofibromatosis 1 (NF1) (PMID: 26740943 (2015), 29673180 (2018)). This variant has not been reported in large, multi-ethnic general populations (Genome Aggregation Database). Based on the available information, this variant is classified as pathogenic.

Blueprint Genetics
Classification: Pathogenic for NF1-related disorders. Last evaluated: 2022-12-22. Review status: criteria provided, single submitter. Criteria: ACMG Guidelines, 2015. Collection method: clinical testing. Allele origin: germline. Affected: yes. Observed: 1 variant allele.

Mendelics
Classification: Pathogenic for Neurofibromatosis, type 1. Last evaluated: 2019-05-28. Review status: criteria provided, single submitter. Criteria: Mendelics Assertion Criteria 2017. Collection method: clinical testing. Allele origin: unknown.

Literature cited by the submitters: PubMed 26740943 (cited by Quest Diagnostics Nichols Institute San Juan Capistrano); PubMed 29673180 (cited by Quest Diagnostics Nichols Institute San Juan Capistrano); PubMed 37081086 (cited by Quest Diagnostics Nichols Institute San Juan Capistrano).

NM_001042492.3(NF1):c.7062+1G>T

Gene: NF1 (neurofibromin 1; plus strand). Cytogenetic location: 17q11.2.
Variant type: single nucleotide variant.
Coding change: c.7062+1G>T on transcript NM_001042492.3 (MANE Select); the canonical splice donor site of the intron after coding-DNA position 7062, G replaced by T.
Molecular consequence: splice donor variant.
Genome position (GRCh38, 1-based): chr17:31,340,646, G>T. VCF-style: chr17-31340646-G-T. GRCh37 (hg19) VCF-style: chr17-29667664-G-T.
Other names: c.6999+1G>T (NM_000267.4).
Identifiers: ClinVar variation 803375 (VCV000803375.3), dbSNP rs863224492, ClinGen allele CA399015288.
Genomic context (GRCh38, chr17:31,340,646, plus strand): 5'-ACCGCACTTCTTGAACAAAACCTGCATACTTTAGATAGTCTCCGTATATTCAATGACAAG[G>T]TAAGCAAACTTTGCCTTGAGGTTCCTAGATTACTCAAATTTAGTACTCTTCCATCTTTTC-3'